The following is an entry in ClinVar:

NM_012431.3(SEMA3E):c.1233G>A (p.Met411Ile)

Gene: SEMA3E (semaphorin 3E; minus strand). Cytogenetic location: 7q21.11.
Variant type: single nucleotide variant.
Coding change: c.1233G>A on transcript NM_012431.3 (MANE Select); coding-DNA position 1233, G replaced by A.
Protein change: p.Met411Ile; replaces methionine 411 with isoleucine.
Molecular consequence: missense variant.
Genome position (GRCh38, 1-based): chr7:83,400,161, C>T on the plus strand (G>A on the coding strand, the complement: SEMA3E is on the minus strand). VCF-style: chr7-83400161-C-T. GRCh37 (hg19) VCF-style: chr7-83029477-C-T.
Other names: c.1053G>A, p.Met351Ile (NM_001178129.2); short protein forms M351I, M411I.
Identifiers: ClinVar variation 1463483 (VCV001463483.8), dbSNP rs2115616756, ClinGen allele CA367927577.
Genomic context (GRCh38, chr7:83,400,161, plus strand): 5'-ATATTTTCCATCTGTTTTTACCAATATTGGTTTTTTATGGGCAGGTTTTATGGCCTGGTA[C>T]ATTAGTGGATGACTTCTTGCAAATCGGATGGCATCATCAGGATAGTCCTTGGTGGTTCCG-3'
Protein context (NP_036563.1, residues 401-421): AIRFARSHPL[Met411Ile]YQAIKPAHKK

ClinVar aggregate classification (germline): Uncertain significance (1 of 4 stars; one submission).

Conditions:
CHARGE syndrome (CHARGE). Also called: Coloboma, heart anomaly, choanal atresia, retardation, genital and ear anomalies; CHARGE association; Hall-Hittner syndrome; Hittner Hirsch Kreh syndrome; CHARGE ASSOCIATION--COLOBOMA, HEART ANOMALY, CHOANAL ATRESIA, RETARDATION, GENITAL AND EAR ANOMALIES. Identifiers: Orphanet 138, MedGen C0265354, MONDO:0008965.

Submission:

Labcorp Genetics (formerly Invitae), Labcorp
Classification: Uncertain significance for CHARGE syndrome. Last evaluated: 2023-10-13. Review status: criteria provided, single submitter. Criteria: Invitae Variant Classification Sherloc (09022015). Collection method: clinical testing. Allele origin: germline.
Comment: This sequence change replaces methionine, which is neutral and non-polar, with isoleucine, which is neutral and non-polar, at codon 411 of the SEMA3E protein (p.Met411Ile). This variant is not present in population databases (gnomAD no frequency). This variant has not been reported in the literature in individuals affected with SEMA3E-related conditions. ClinVar contains an entry for this variant (Variation ID: 1463483). Advanced modeling of protein sequence and biophysical properties (such as structural, functional, and spatial information, amino acid conservation, physicochemical variation, residue mobility, and thermodynamic stability) performed at Invitae indicates that this missense variant is not expected to disrupt SEMA3E protein function. In summary, the available evidence is currently insufficient to determine the role of this variant in disease. Therefore, it has been classified as a Variant of Uncertain Significance.